The following is an entry in ClinVar:

ClinVar aggregate classification (germline): Uncertain significance (1 of 4 stars; one submission).

Conditions:
Glycogen storage disease, type II (IOPD). Also called: Pompe Disease; CARDIOMEGALIA GLYCOGENICA DIFFUSA; GLYCOGENOSIS, GENERALIZED, CARDIAC FORM; GSD II; POMPE DISEASE, INFANTILE-ONSET; GLYCOGEN STORAGE DISEASE II, INFANTILE-ONSET. Identifiers: Orphanet 365, MedGen C0017921, MONDO:0009290, OMIM 232300.

Submission:

Genomenon, Inc
Classification: Uncertain significance for Glycogen storage disease, type II. Last evaluated: 2026-07-01. Review status: criteria provided, single submitter. Criteria: Genomenon Sequence Variant Interpretation Standards - Updated. Collection method: curation. Allele origin: germline. Affected: yes.
Comment: GAA p.Gly665Glu (c.1994G>A) is a missense variant that changes the amino acid at codon 665 from Glycine to Glutamic acid. This variant has been observed in at least one proband with a GAA-related disorder (PMID:36833288). It is absent or not present at a significant frequency in gnomAD. In silico models predict that this variant is possibly or probably damaging. In conclusion, we classify GAA p.Gly665Glu (c.1994G>A) as a variant of uncertain significance.

Literature cited by the submitters: PubMed 36833288.

NM_000152.5(GAA):c.1994G>A (p.Gly665Glu)

Gene: GAA (alpha glucosidase; plus strand). Cytogenetic location: 17q25.3.
Variant type: single nucleotide variant.
Coding change: c.1994G>A on transcript NM_000152.5 (MANE Select); coding-DNA position 1994, G replaced by A.
Protein change: p.Gly665Glu; replaces glycine 665 with glutamic acid.
Molecular consequence: missense variant.
Genome position (GRCh38, 1-based): chr17:80,112,981, G>A. VCF-style: chr17-80112981-G-A. GRCh37 (hg19) VCF-style: chr17-78086780-G-A.
Other names: c.1994G>A, p.Gly665Glu (NM_001079803.3, NM_001079804.3, NM_001406741.1 and 1 more transcripts); short protein forms G665E.
Identifiers: ClinVar variation 4876529 (VCV004876529.1).
Genomic context (GRCh38, chr17:80,112,981, plus strand): 5'-ACGTCTGCGGCTTCCTGGGCAACACCTCAGAGGAGCTGTGTGTGCGCTGGACCCAGCTGG[G>A]GGCCTTCTACCCCTTCATGCGGAACCACAACAGCCTGCTCAGTCTGGTAGGGTGGGGGTG-3'
Protein context (NP_000143.2, residues 655-675): EELCVRWTQL[Gly665Glu]AFYPFMRNHN